The following is an entry in ClinVar:

ClinVar aggregate classification (germline): Pathogenic. Review status: criteria provided, multiple submitters, no conflicts (2 of 4 stars). 5 submissions from 5 submitters: Pathogenic (5). Last evaluated 2024-10-04.

Conditions:
Café-au-lait macules with pulmonary stenosis (WTSN). Also called: PULMONIC STENOSIS WITH CAFE-AU-LAIT SPOTS. Identifiers: MedGen C0553586, MONDO:0008672, OMIM 193520.
Hereditary cancer-predisposing syndrome. Also called: Hereditary Cancer Syndrome; Neoplastic Syndromes, Hereditary; Hereditary neoplastic syndrome; Tumor predisposition. Identifiers: Orphanet 140162, MedGen C0027672, MeSH D009386, MONDO:0015356.
Cardiovascular phenotype. Identifiers: MedGen CN230736.
Neurofibromatosis, type 1 (NF1). Also called: Peripheral type neurofibromatosis; NEUROFIBROMATOSIS, TYPE I, SOMATIC; Neurofibromatosis, type I; VON RECKLINGHAUSEN DISEASE. Identifiers: Orphanet 636, MedGen C0027831, MONDO:0018975, OMIM 162200. Disease mechanism: loss of function.

Submissions (5):

Dubai Health Genomic Medicine Center, Dubai Health
Classification: Pathogenic for Watson syndrome. Last evaluated: 2024-10-04. Review status: criteria provided, single submitter. Criteria: ACMG Guidelines, 2015. Collection method: research. Allele origin: germline. Affected: yes.
Comment: PVS1,PM2,PP4

Genome-Nilou Lab
Classification: Pathogenic for Neurofibromatosis, type 1. Last evaluated: 2022-03-15. Review status: criteria provided, single submitter. Criteria: ACMG Guidelines, 2015. Collection method: clinical testing. Allele origin: germline. Affected: no.

Ambry Genetics
Classification: Pathogenic for Cardiovascular phenotype; Hereditary cancer-predisposing syndrome. Last evaluated: 2021-06-16. Review status: criteria provided, single submitter. Criteria: Ambry Variant Classification Scheme 2023. Collection method: clinical testing. Allele origin: germline.
Comment: The p.Y2161* pathogenic mutation (also known as c.6483C>G), located in coding exon 42 of the NF1 gene, results from a C to G substitution at nucleotide position 6483. This changes the amino acid from a tyrosine to a stop codon within coding exon 42. This variant has been reported in multiple patients with clinical diagnoses or suspicion of NF1 (Ars E et al. J Med Genet, 2003 Jun;40:e82; Pros E et al. Hum Mutat, 2008 Sep;29:E173-93; Sabbagh A et al. Hum Mutat, 2013 Nov;34:1510-8; Cunha KS et al. Genes (Basel), 2016 Dec;7:). In addition to the clinical data presented in the literature, this alteration is expected to result in loss of function by premature protein truncation or nonsense-mediated mRNA decay. As such, this alteration is interpreted as a disease-causing mutation.

Labcorp Genetics (formerly Invitae), Labcorp
Classification: Pathogenic for Neurofibromatosis, type 1. Last evaluated: 2020-03-03. Review status: criteria provided, single submitter. Criteria: Invitae Variant Classification Sherloc (09022015). Collection method: clinical testing. Allele origin: germline.
Comment: Algorithms developed to predict the effect of sequence changes on RNA splicing suggest that this variant may create or strengthen a splice site, but this prediction has not been confirmed by published transcriptional studies. For these reasons, this variant has been classified as Pathogenic. Loss-of-function variants in NF1 are known to be pathogenic (PMID: 10712197, 23913538). This variant has been observed in individual(s) with a clinical diagnosis or suspicion of neurofibromatosis, type 1 (PMID: 12807981, 18546366). ClinVar contains an entry for this variant (Variation ID: 803373). This variant is not present in population databases (ExAC no frequency). This sequence change creates a premature translational stop signal (p.Tyr2161*) in the NF1 gene. It is expected to result in an absent or disrupted protein product.

Mendelics
Classification: Pathogenic for Neurofibromatosis, type 1. Last evaluated: 2019-05-28. Review status: criteria provided, single submitter. Criteria: Mendelics Assertion Criteria 2017. Collection method: clinical testing. Allele origin: unknown.

Literature cited by the submitters: PubMed 10712197 (cited by Labcorp Genetics (formerly Invitae), Labcorp); PubMed 23913538 (cited by Labcorp Genetics (formerly Invitae), Labcorp); PubMed 12807981 (cited by Labcorp Genetics (formerly Invitae), Labcorp); PubMed 18546366 (cited by Labcorp Genetics (formerly Invitae), Labcorp).

NM_001042492.3(NF1):c.6546C>G (p.Tyr2182Ter)

Gene: NF1 (neurofibromin 1; plus strand). Cytogenetic location: 17q11.2.
Variant type: single nucleotide variant.
Coding change: c.6546C>G on transcript NM_001042492.3 (MANE Select); coding-DNA position 6546, C replaced by G.
Protein change: p.Tyr2182Ter; replaces tyrosine 2182 with a stop codon.
Molecular consequence: nonsense.
Genome position (GRCh38, 1-based): chr17:31,337,486, C>G. VCF-style: chr17-31337486-C-G. GRCh37 (hg19) VCF-style: chr17-29664504-C-G.
Other names: c.6483C>G, p.Tyr2161Ter (NM_000267.4); short protein forms Y2182*, Y2161*.
Identifiers: ClinVar variation 803373 (VCV000803373.10), dbSNP rs876659768, ClinGen allele CA399013250.